The following is an entry in ClinVar:

NM_000352.6(ABCC8):c.1943G>A (p.Arg648His)

Gene: ABCC8 (ATP binding cassette subfamily C member 8; minus strand). Cytogenetic location: 11p15.1.
Variant type: single nucleotide variant.
Coding change: c.1943G>A on transcript NM_000352.6 (MANE Select); coding-DNA position 1943, G replaced by A.
Protein change: p.Arg648His; replaces arginine 648 with histidine.
Molecular consequence: missense variant. On other transcripts: non-coding transcript variant (1).
Genome position (GRCh38, 1-based): chr11:17,428,386, C>T on the plus strand (G>A on the coding strand, the complement: ABCC8 is on the minus strand). VCF-style: chr11-17428386-C-T. GRCh37 (hg19) VCF-style: chr11-17449933-C-T.
Other names: c.1943G>A, p.Arg648His (NM_001287174.3); c.2009G>A, p.Arg670His (NM_001351295.2); c.1940G>A, p.Arg647His (NM_001351296.2, NM_001351297.2); c.1943G>A (NM_000352.3); short protein forms R670H, R648H, R647H.
Identifiers: ClinVar variation 2199389 (VCV002199389.3), dbSNP rs773168707, ClinGen allele CA5903370.
Genomic context (GRCh38, chr11:17,428,386, plus strand): 5'-GGGACCAGGCTCTGCAGTGGGCCGGTGAGGCCCCGACAATCCTCCCGGGCTGGACGCTTG[C>T]GGTTCACAACCCTGAGGGGCTGGGGGTGGTTTGGAGGTGAGGACCCACTGGGCTGGGAGC-3'
Protein context (NP_000343.2, residues 638-658): YQAVPLRVVN[Arg648His]KRPAREDCRG

ClinVar aggregate classification (germline): Uncertain significance. Review status: criteria provided, multiple submitters, no conflicts (2 of 4 stars). 2 submissions from 2 submitters: Uncertain significance (2). Last evaluated 2024-03-04.

Allele frequency attached by ClinVar (database versions not stated): TOPMed 0.00001; ExAC 0.00002; gnomAD exomes 0.00002; gnomAD 0.00003.
gnomAD v4.1: 36 of 1,613,626 alleles (0.0022%); highest among the groups gnomAD compares: East Asian, 0.0045%; no homozygotes.

Submissions (2):

GeneDx
Classification: Uncertain significance. Last evaluated: 2024-03-04. Review status: criteria provided, single submitter. Criteria: GeneDx Variant Classification Process June 2021. Collection method: clinical testing. Allele origin: germline. Affected: yes.
Comment: In silico analysis supports that this missense variant does not alter protein structure/function; Identified in patients with ABCC8-related disorders in published literature (PMID: 35733065, 34462253); This variant is associated with the following publications: (PMID: 34462253, 35733065)

Labcorp Genetics (formerly Invitae), Labcorp
Classification: Uncertain significance. Last evaluated: 2022-09-27. Review status: criteria provided, single submitter. Criteria: Invitae Variant Classification Sherloc (09022015). Collection method: clinical testing. Allele origin: germline.
Comment: This sequence change replaces arginine, which is basic and polar, with histidine, which is basic and polar, at codon 648 of the ABCC8 protein (p.Arg648His). This variant is present in population databases (rs773168707, gnomAD 0.007%). This variant has not been reported in the literature in individuals affected with ABCC8-related conditions. Algorithms developed to predict the effect of missense changes on protein structure and function (SIFT, PolyPhen-2, Align-GVGD) all suggest that this variant is likely to be disruptive. In summary, the available evidence is currently insufficient to determine the role of this variant in disease. Therefore, it has been classified as a Variant of Uncertain Significance.